The following is an entry in ClinVar:

NM_001903.5(CTNNA1):c.102A>G (p.Thr34=)

Gene: CTNNA1 (catenin alpha 1; plus strand). Cytogenetic location: 5q31.2.
Variant type: single nucleotide variant.
Coding change: c.102A>G on transcript NM_001903.5 (MANE Select); coding-DNA position 102, A replaced by G.
Protein change: p.Thr34=; no amino-acid change (threonine 34 retained).
Molecular consequence: synonymous variant. On other transcripts: 5 prime UTR variant (2).
Genome position (GRCh38, 1-based): chr5:138,782,026, A>G. VCF-style: chr5-138782026-A-G. GRCh37 (hg19) VCF-style: chr5-138117715-A-G.
Other names: c.102A>G, p.Thr34= (NM_001290307.3, NM_001323982.2, NM_001323983.1 and 3 more transcripts); c.-12A>G (NM_001290309.3); c.-105A>G (NM_001290310.3); c.102A>G (NM_001903.2).
Identifiers: ClinVar variation 2087205 (VCV002087205.6), dbSNP rs1755166783, ClinGen allele CA446724926.

ClinVar aggregate classification (germline): Benign/Likely benign. Review status: criteria provided, multiple submitters, no conflicts (2 of 4 stars). 3 submissions from 3 submitters: Benign (1); Likely benign (2). Last evaluated 2025-09-25.

Conditions:
Hereditary diffuse gastric adenocarcinoma (HDGC). Also called: DIFFUSE GASTRIC AND LOBULAR BREAST CANCER SYNDROME. Identifiers: Orphanet 26106, MedGen C1708349, MONDO:0007648, OMIM 137215.
Hereditary cancer-predisposing syndrome. Also called: Tumor predisposition; Neoplastic Syndromes, Hereditary; Hereditary neoplastic syndrome; Hereditary Cancer Syndrome. Identifiers: Orphanet 140162, MedGen C0027672, MeSH D009386, MONDO:0015356.

Submissions (3):

Ambry Genetics
Classification: Likely benign for Hereditary cancer-predisposing syndrome. Last evaluated: 2025-09-25. Review status: criteria provided, single submitter. Criteria: Ambry Variant Classification Scheme 2023. Collection method: clinical testing. Allele origin: germline.

Myriad Genetics, Inc.
Classification: Benign for Hereditary diffuse gastric adenocarcinoma. Last evaluated: 2024-10-09. Review status: criteria provided, single submitter. Criteria: Myriad Autosomal Dominant, Autosomal Recessive and X-Linked Classification Criteria (2023). Collection method: clinical testing. Allele origin: unknown.
Comment: This variant is considered benign. This variant is a silent/synonymous amino acid change and it is not expected to impact splicing.

Labcorp Genetics (formerly Invitae), Labcorp
Classification: Likely benign. Last evaluated: 2022-01-17. Review status: criteria provided, single submitter. Criteria: Invitae Variant Classification Sherloc (09022015). Collection method: clinical testing. Allele origin: germline.